The following is an entry in ClinVar:

ClinVar aggregate classification (germline): Benign. Review status: criteria provided, multiple submitters, no conflicts (2 of 4 stars). 3 submissions from 2 submitters: Benign (3). Last evaluated 2018-01-13.

Conditions:
Waardenburg syndrome type 2A (WS2A). Also called: WAARDENBURG SYNDROME WITHOUT DYSTOPIA CANTHORUM. Identifiers: Orphanet 3440, MedGen C1860339, MONDO:0008671, OMIM 193510.
Tietz syndrome (TADS). Also called: ALBINISM-DEAFNESS OF TIETZ; HYPOPIGMENTATION/DEAFNESS OF TIETZ; TIETZ ALBINISM-DEAFNESS SYNDROME. Identifiers: Orphanet 42665, MedGen C0391816, MONDO:0007077, OMIM 103500.

Allele frequency attached by ClinVar (database versions not stated): gnomAD exomes 0.01342; gnomAD 0.01496 and 0.01536; TOPMed 0.01599; 1000 Genomes Project 30x 0.01749; 1000 Genomes Project 0.01897.
gnomAD v4.1: 3,427 of 232,806 alleles (1.5%); highest among the groups gnomAD compares: Middle Eastern, 3.7%; 36 homozygotes.

Submissions (3):

Illumina Laboratory Services, Illumina
Classification: Benign for Waardenburg syndrome type 2A. Last evaluated: 2018-01-13. Review status: criteria provided, single submitter. Criteria: ICSL Variant Classification Criteria 13 December 2019. Collection method: clinical testing. Allele origin: germline.
Comment: This variant was observed in the ICSL laboratory as part of a predisposition screen in an ostensibly healthy population. It had not been previously curated by ICSL or reported in the Human Gene Mutation Database (HGMD: prior to June 1st, 2018), and was therefore a candidate for classification through an automated scoring system. Utilizing variant allele frequency, disease prevalence and penetrance estimates, and inheritance mode, an automated score was calculated to assess if this variant is too frequent to cause the disease. Based on the score and internal cut-off values, a variant classified as benign is not then subjected to further curation. The score for this variant resulted in a classification of benign for this disease.

Illumina Laboratory Services, Illumina
Classification: Benign for Tietz syndrome. Last evaluated: 2018-01-13. Review status: criteria provided, single submitter. Criteria: ICSL Variant Classification Criteria 13 December 2019. Collection method: clinical testing. Allele origin: germline.
Comment: the same text as in the submission from Illumina Laboratory Services, Illumina above.

Breakthrough Genomics
Classification: Benign. Review status: criteria provided, single submitter. Criteria: ACMG Guidelines, 2015. Collection method: not provided. Allele origin: germline. Inheritance: Autosomal recessive inheritance. Affected: yes.

NM_001354604.2(MITF):c.*1150T>C

Gene: MITF (melanocyte inducing transcription factor; plus strand). Cytogenetic location: 3p13.
Variant type: single nucleotide variant.
Coding change: c.*1150T>C on transcript NM_001354604.2 (MANE Select); 1150 bases downstream of the stop codon, T replaced by C.
Molecular consequence: 3 prime UTR variant.
Genome position (GRCh38, 1-based): chr3:69,966,398, T>C. VCF-style: chr3-69966398-T-C. GRCh37 (hg19) VCF-style: chr3-70015549-T-C.
Other names: c.*1150T>C (NM_000248.4, NM_001184967.2, NM_001354605.2 and 8 more transcripts).
Identifiers: ClinVar variation 346521 (VCV000346521.6), dbSNP rs150314710, ClinGen allele CA10617345.
Genomic context (GRCh38, chr3:69,966,398, plus strand): 5'-AAGACAGCTTTGCGAATATTTTGTAAATTACAGTCTCACTCAGAACTGTTTTTGGACACA[T>C]TTAAGGTGTAGTATTAATAGGTTAAAACCAGGCTTTCTAGAAAGAATAAACTTACATATT-3'